The following is an entry in ClinVar:

ClinVar aggregate classification (germline): Uncertain significance (1 of 4 stars; one submission).

Submission:

Labcorp Genetics (formerly Invitae), Labcorp
Classification: Uncertain significance. Last evaluated: 2022-10-24. Review status: criteria provided, single submitter. Criteria: Invitae Variant Classification Sherloc (09022015). Collection method: clinical testing. Allele origin: germline.
Comment: This sequence change replaces glutamine, which is neutral and polar, with lysine, which is basic and polar, at codon 298 of the PDE6B protein (p.Gln298Lys). This variant is not present in population databases (gnomAD no frequency). This variant has not been reported in the literature in individuals affected with PDE6B-related conditions. ClinVar contains an entry for this variant (Variation ID: 1518864). Algorithms developed to predict the effect of missense changes on protein structure and function (SIFT, PolyPhen-2, Align-GVGD) all suggest that this variant is likely to be tolerated. In summary, the available evidence is currently insufficient to determine the role of this variant in disease. Therefore, it has been classified as a Variant of Uncertain Significance.

NM_000283.4(PDE6B):c.892C>A (p.Gln298Lys)

Genes: PDE6B (phosphodiesterase 6B; plus strand), PDE6B-AS1 (PDE6B antisense RNA 1; minus strand). Cytogenetic location: 4p16.3.
Variant type: single nucleotide variant.
Coding change: c.892C>A on transcript NM_000283.4 (MANE Select); coding-DNA position 892, C replaced by A.
Protein change: p.Gln298Lys; replaces glutamine 298 with lysine.
Molecular consequence: missense variant. On other transcripts: 5 prime UTR variant (1).
Genome position (GRCh38, 1-based): chr4:654,119, C>A. VCF-style: chr4-654119-C-A. GRCh37 (hg19) VCF-style: chr4-647908-C-A.
Other names: c.892C>A, p.Gln298Lys (NM_001145291.2); c.55C>A, p.Gln19Lys (NM_001145292.2, NM_001350154.3, NM_001379246.1 and 1 more transcripts); c.-149C>A (NM_001350155.3); short protein forms Q19K, Q298K.
Identifiers: ClinVar variation 1518864 (VCV001518864.6), dbSNP rs121918579, ClinGen allele CA355911811.